The following is an entry in ClinVar:

ClinVar aggregate classification (germline): Uncertain significance (1 of 4 stars; one submission).

Submission:

Labcorp Genetics (formerly Invitae), Labcorp
Classification: Uncertain significance. Last evaluated: 2023-08-06. Review status: criteria provided, single submitter. Criteria: Invitae Variant Classification Sherloc (09022015). Collection method: clinical testing. Allele origin: germline.
Comment: This sequence change replaces leucine, which is neutral and non-polar, with methionine, which is neutral and non-polar, at codon 153 of the DDX41 protein (p.Leu153Met). This variant is not present in population databases (gnomAD no frequency). This variant has not been reported in the literature in individuals affected with DDX41-related conditions. An algorithm developed to predict the effect of missense changes on protein structure and function (PolyPhen-2) suggests that this variant is likely to be disruptive. In summary, the available evidence is currently insufficient to determine the role of this variant in disease. Therefore, it has been classified as a Variant of Uncertain Significance.

NM_016222.4(DDX41):c.457C>A (p.Leu153Met)

Gene: DDX41 (DEAD-box helicase 41; minus strand). Cytogenetic location: 5q35.3.
Variant type: single nucleotide variant.
Coding change: c.457C>A on transcript NM_016222.4 (MANE Select); coding-DNA position 457, C replaced by A.
Protein change: p.Leu153Met; replaces leucine 153 with methionine.
Molecular consequence: missense variant.
Genome position (GRCh38, 1-based): chr5:177,515,799, G>T on the plus strand (C>A on the coding strand, the complement: DDX41 is on the minus strand). VCF-style: chr5-177515799-G-T. GRCh37 (hg19) VCF-style: chr5-176942800-G-T.
Other names: c.79C>A, p.Leu27Met (NM_001321732.2, NM_001321830.2); short protein forms L27M, L153M.
Identifiers: ClinVar variation 2803801 (VCV002803801.3), dbSNP rs1761200849, ClinGen allele CA362376226.
Genomic context (GRCh38, chr5:177,515,799, plus strand): 5'-CCTCCACCAGGATGTGGTATTTCTTCCGCACGCGCTCATGTCGCTCTTCAGACATGCTCA[G>T]AACATAACGGGGTGGAGTCCAGCTGTGGATGGGTAACAGGGATCAAGAGAGCCCTGGGAA-3'
Protein context (NP_057306.2, residues 143-163): KTSWTPPRYV[Leu153Met]SMSEERHERV